The following is an entry in ClinVar:

ClinVar aggregate classification (germline): Uncertain significance. Review status: criteria provided, multiple submitters, no conflicts (2 of 4 stars). 2 submissions from 2 submitters: Uncertain significance (2). Last evaluated 2024-07-09.

Conditions:
Combined oxidative phosphorylation defect type 14. Also called: Combined oxidative phosphorylation deficiency 14. Identifiers: Orphanet 319519, MedGen C4755312, MONDO:0013986, OMIM 614946.

Allele frequency attached by ClinVar (database versions not stated): TOPMed 0.00001; ExAC 0.00002; gnomAD exomes 0.00003.
gnomAD v4.1: 37 of 1,613,986 alleles (0.0023%); highest among the groups gnomAD compares: East Asian, 0.018%; no homozygotes.

Submissions (2):

Blueprint Genetics
Classification: Uncertain significance. Last evaluated: 2024-07-09. Review status: criteria provided, single submitter. Criteria: ACMG Guidelines, 2015. Collection method: clinical testing. Allele origin: germline.

Labcorp Genetics (formerly Invitae), Labcorp
Classification: Uncertain significance for Combined oxidative phosphorylation defect type 14. Last evaluated: 2021-12-03. Review status: criteria provided, single submitter. Criteria: Invitae Variant Classification Sherloc (09022015). Collection method: clinical testing. Allele origin: germline.
Comment: This sequence change replaces arginine, which is basic and polar, with tryptophan, which is neutral and slightly polar, at codon 423 of the FARS2 protein (p.Arg423Trp). This variant is present in population databases (rs145697325, gnomAD 0.008%). This variant has not been reported in the literature in individuals affected with FARS2-related conditions. ClinVar contains an entry for this variant (Variation ID: 569676). Advanced modeling of protein sequence and biophysical properties (such as structural, functional, and spatial information, amino acid conservation, physicochemical variation, residue mobility, and thermodynamic stability) performed at Invitae indicates that this missense variant is expected to disrupt FARS2 protein function. In summary, the available evidence is currently insufficient to determine the role of this variant in disease. Therefore, it has been classified as a Variant of Uncertain Significance.

NM_006567.5(FARS2):c.1267C>T (p.Arg423Trp)

Gene: FARS2 (phenylalanyl-tRNA synthetase 2, mitochondrial; plus strand). Cytogenetic location: 6p25.1.
Variant type: single nucleotide variant.
Coding change: c.1267C>T on transcript NM_006567.5 (MANE Select); coding-DNA position 1267, C replaced by T.
Protein change: p.Arg423Trp; replaces arginine 423 with tryptophan.
Molecular consequence: missense variant.
Genome position (GRCh38, 1-based): chr6:5,771,340, C>T. VCF-style: chr6-5771340-C-T. GRCh37 (hg19) VCF-style: chr6-5771573-C-T.
Other names: c.1267C>T, p.Arg423Trp (NM_001318872.2, NM_001374875.1, NM_001374876.1 and 4 more transcripts); c.1135C>T, p.Arg379Trp (NM_001375258.1); c.571C>T, p.Arg191Trp (NM_001375259.1, NM_001375260.1); short protein forms R423W, R191W, R379W.
Identifiers: ClinVar variation 569676 (VCV000569676.9), dbSNP rs145697325, ClinGen allele CA3623930.